The following is an entry in ClinVar:

ClinVar aggregate classification (germline): Conflicting classifications of pathogenicity. Review status: criteria provided, conflicting classifications (1 of 4 stars). 3 submissions from 3 submitters: Uncertain significance (1); Likely benign (2). Last evaluated 2026-08-01.

gnomAD v4.1: 318 of 1,614,102 alleles (0.02%); highest among the groups gnomAD compares: Non-Finnish European, 0.024%; no homozygotes.

Submissions (3):

CeGaT Center for Human Genetics Tuebingen
Classification: Likely benign. Last evaluated: 2026-08-01. Review status: criteria provided, single submitter. Criteria: CeGaT Center For Human Genetics Tuebingen Variant Classification Criteria Version 2. Collection method: clinical testing. Allele origin: germline. Affected: yes. Observed: 1 variant allele.
Comment: IGSF10: BP4, BS1

Labcorp Genetics (formerly Invitae), Labcorp
Classification: Uncertain significance. Last evaluated: 2025-06-18. Review status: criteria provided, single submitter. Criteria: Invitae Variant Classification Sherloc (09022015). Collection method: clinical testing. Allele origin: germline.
Comment: This sequence change replaces threonine, which is neutral and polar, with methionine, which is neutral and non-polar, at codon 2572 of the IGSF10 protein (p.Thr2572Met). This variant is present in population databases (rs200898424, gnomAD 0.02%). This variant has not been reported in the literature in individuals affected with IGSF10-related conditions. ClinVar contains an entry for this variant (Variation ID: 1394395). An algorithm developed to predict the effect of missense changes on protein structure and function outputs the following: PolyPhen-2: "Benign". The methionine amino acid residue is found in multiple mammalian species, which suggests that this missense change does not adversely affect protein function. In summary, the available evidence is currently insufficient to determine the role of this variant in disease. Therefore, it has been classified as a Variant of Uncertain Significance.

Ambry Genetics
Classification: Likely benign. Last evaluated: 2023-12-08. Review status: criteria provided, single submitter. Criteria: Ambry Variant Classification Scheme 2023. Collection method: clinical testing. Allele origin: germline.

NM_178822.5(IGSF10):c.7715C>T (p.Thr2572Met)

Gene: IGSF10 (immunoglobulin superfamily member 10; minus strand). Cytogenetic location: 3q25.1.
Variant type: single nucleotide variant.
Coding change: c.7715C>T on transcript NM_178822.5 (MANE Select); coding-DNA position 7715, C replaced by T.
Protein change: p.Thr2572Met; replaces threonine 2572 with methionine.
Molecular consequence: missense variant.
Genome position (GRCh38, 1-based): chr3:151,436,846, G>A on the plus strand (C>T on the coding strand, the complement: IGSF10 is on the minus strand). VCF-style: chr3-151436846-G-A. GRCh37 (hg19) VCF-style: chr3-151154634-G-A.
Other names: c.7715C>T (NM_178822.4); c.1652C>T, p.Thr551Met (NM_001178145.3, NM_001178146.3); c.7715C>T, p.Thr2572Met (NM_001385060.1, NM_001385061.1, NM_001385062.1 and 1 more transcripts); short protein forms T2572M, T551M.
Identifiers: ClinVar variation 1394395 (VCV001394395.8), dbSNP rs200898424, ClinGen allele CA2669200.